The following is an entry in ClinVar:

NM_004333.6(BRAF):c.1140+1346A>G

Gene: BRAF (B-Raf proto-oncogene, serine/threonine kinase; minus strand). Cytogenetic location: 7q34.
Variant type: single nucleotide variant.
Coding change: c.1140+1346A>G on transcript NM_004333.6 (MANE Select); 1346 bases into the intron after coding-DNA position 1140, A replaced by G.
Molecular consequence: intron variant.
Genome position (GRCh38, 1-based): chr7:140,792,962, T>C on the plus strand (A>G on the coding strand, the complement: BRAF is on the minus strand). VCF-style: chr7-140792962-T-C. GRCh37 (hg19) VCF-style: chr7-140492762-T-C.
Other names: c.1140+1346A>G (NM_001378474.1, NM_001378471.1, NM_001378468.1 and 4 more transcripts); c.1038+1346A>G (NM_001378470.1); c.876+1346A>G (NM_001378475.1); c.1149+1346A>G (NM_001378467.1); c.984+1346A>G (NM_001378472.1, NM_001378473.1).
Identifiers: ClinVar variation 2658065 (VCV002658065.24), dbSNP rs144831287, ClinGen allele CA168099662.

ClinVar aggregate classification (germline): Likely benign (1 of 4 stars; one submission).

Allele frequency attached by ClinVar (database versions not stated): gnomAD 0.00066; TOPMed 0.00077; 1000 Genomes Project 0.00080; 1000 Genomes Project 30x 0.00094.
gnomAD v4.1: 104 of 152,204 alleles (0.068%); highest among the groups gnomAD compares: African/African-American, 0.2%; 1 homozygote.

Submission:

CeGaT Center for Human Genetics Tuebingen
Classification: Likely benign. Last evaluated: 2026-09-01. Review status: criteria provided, single submitter. Criteria: CeGaT Center For Human Genetics Tuebingen Variant Classification Criteria Version 2. Collection method: clinical testing. Allele origin: germline. Affected: yes. Observed: 4 variant alleles.
Comment: BRAF: BS1